The following is an entry in ClinVar:

ClinVar aggregate classification (germline): Uncertain significance (1 of 4 stars; one submission).

Conditions:
Bethlem myopathy 1A. Also called: Bethlem myopathy 1; MYOPATHY, BENIGN CONGENITAL, WITH CONTRACTURES; Bethlem Muscular Dystrophy. Identifiers: Orphanet 610, MedGen CN029274, MONDO:0024530, OMIM 158810.

gnomAD v4.1: 2 of 1,614,206 alleles (0.00012%); highest among the groups gnomAD compares: Non-Finnish European, 0.00017%; no homozygotes.

Submission:

Labcorp Genetics (formerly Invitae), Labcorp
Classification: Uncertain significance for Bethlem myopathy 1A. Last evaluated: 2023-03-09. Review status: criteria provided, single submitter. Criteria: Invitae Variant Classification Sherloc (09022015). Collection method: clinical testing. Allele origin: germline.
Comment: This sequence change replaces glutamine, which is neutral and polar, with arginine, which is basic and polar, at codon 2634 of the COL6A3 protein (p.Gln2634Arg). This variant is not present in population databases (gnomAD no frequency). This variant has not been reported in the literature in individuals affected with COL6A3-related conditions. Advanced modeling of protein sequence and biophysical properties (such as structural, functional, and spatial information, amino acid conservation, physicochemical variation, residue mobility, and thermodynamic stability) performed at Invitae indicates that this missense variant is expected to disrupt COL6A3 protein function. In summary, the available evidence is currently insufficient to determine the role of this variant in disease. Therefore, it has been classified as a Variant of Uncertain Significance.

NM_004369.4(COL6A3):c.7901A>G (p.Gln2634Arg)

Gene: COL6A3 (collagen type VI alpha 3 chain; minus strand). Cytogenetic location: 2q37.3.
Variant type: single nucleotide variant.
Coding change: c.7901A>G on transcript NM_004369.4 (MANE Select); coding-DNA position 7901, A replaced by G.
Protein change: p.Gln2634Arg; replaces glutamine 2634 with arginine.
Molecular consequence: missense variant.
Genome position (GRCh38, 1-based): chr2:237,341,015, T>C on the plus strand (A>G on the coding strand, the complement: COL6A3 is on the minus strand). VCF-style: chr2-237341015-T-C. GRCh37 (hg19) VCF-style: chr2-238249658-T-C.
Other names: c.6080A>G, p.Gln2027Arg (NM_057166.5); c.7283A>G, p.Gln2428Arg (NM_057167.4); short protein forms Q2027R, Q2428R, Q2634R.
Identifiers: ClinVar variation 2781393 (VCV002781393.3), dbSNP rs2469805593, ClinGen allele CA351197335.